The following is an entry in ClinVar:

NM_030777.4(SLC2A10):c.289del (p.Ser97fs)

Gene: SLC2A10 (solute carrier family 2 member 10; plus strand). Cytogenetic location: 20q13.12.
Variant type: Deletion.
Coding change: c.289del on transcript NM_030777.4 (MANE Select); coding-DNA position 289, one base deleted (T; older notation c.289delT).
Protein change: p.Ser97fs; shifts the reading frame from serine 97.
Molecular consequence: frameshift variant.
Genome position (GRCh38, 1-based): chr20:46,725,325, T deleted; the last of 2 consecutive T bases (chr20:46,725,324-46,725,325); deleting either gives the same sequence. VCF-style (leftmost placement, unchanged base first): chr20-46725323-GT-G. GRCh37 (hg19) VCF-style: chr20-45353962-GT-G.
Other names: short protein forms S97fs.
Identifiers: ClinVar variation 2983016 (VCV002983016.3), dbSNP rs2515587114, ClinGen allele CA2653170734.

ClinVar aggregate classification (germline): Pathogenic (1 of 4 stars; one submission).

Conditions:
Arterial tortuosity syndrome (ATORS). Identifiers: Orphanet 3342, MedGen C1859726, MONDO:0008818, OMIM 208050.

Submission:

Labcorp Genetics (formerly Invitae), Labcorp
Classification: Pathogenic for Arterial tortuosity syndrome. Last evaluated: 2023-08-08. Review status: criteria provided, single submitter. Criteria: Invitae Variant Classification Sherloc (09022015). Collection method: clinical testing. Allele origin: germline.
Comment: For these reasons, this variant has been classified as Pathogenic. This variant has not been reported in the literature in individuals affected with SLC2A10-related conditions. This variant is not present in population databases (gnomAD no frequency). This sequence change creates a premature translational stop signal (p.Ser97Profs*148) in the SLC2A10 gene. It is expected to result in an absent or disrupted protein product. Loss-of-function variants in SLC2A10 are known to be pathogenic (PMID: 17935213, 22488877, 23494979).

Literature cited by the submitters: PubMed 17935213; PubMed 22488877; PubMed 23494979.